The following is an entry in ClinVar:

NM_001371986.1(UNC80):c.2685T>C (p.Asn895=)

Gene: UNC80 (unc-80 subunit of NALCN channel complex; plus strand). Cytogenetic location: 2q34.
Variant type: single nucleotide variant.
Coding change: c.2685T>C on transcript NM_001371986.1 (MANE Select); coding-DNA position 2685, T replaced by C.
Protein change: p.Asn895=; no amino-acid change (asparagine 895 retained).
Molecular consequence: synonymous variant.
Genome position (GRCh38, 1-based): chr2:209,831,501, T>C. VCF-style: chr2-209831501-T-C. GRCh37 (hg19) VCF-style: chr2-210696225-T-C.
Other names: c.2685T>C, p.Asn895= (NM_032504.2); c.2670T>C, p.Asn890= (NM_182587.4).
Identifiers: ClinVar variation 1630051 (VCV001630051.34), dbSNP rs774153512, ClinGen allele CA2083042.

ClinVar aggregate classification (germline): Likely benign. Review status: criteria provided, multiple submitters, no conflicts (2 of 4 stars). 3 submissions from 3 submitters: Likely benign (3). Last evaluated 2025-12-25.

Allele frequency attached by ClinVar (database versions not stated): gnomAD exomes 0.00002 and 0.00005; gnomAD 0.00003 and 0.00004; TOPMed 0.00003; ExAC 0.00005.
gnomAD v4.1: 77 of 1,551,252 alleles (0.005%); highest among the groups gnomAD compares: Non-Finnish European, 0.0064%; no homozygotes.

Submissions (3):

Labcorp Genetics (formerly Invitae), Labcorp
Classification: Likely benign. Last evaluated: 2025-12-25. Review status: criteria provided, single submitter. Criteria: Invitae Variant Classification Sherloc (09022015). Collection method: clinical testing. Allele origin: germline.

Blueprint Genetics
Classification: Likely benign. Last evaluated: 2024-01-16. Review status: criteria provided, single submitter. Criteria: ACMG Guidelines, 2015. Collection method: clinical testing. Allele origin: germline.

CeGaT Center for Human Genetics Tuebingen
Classification: Likely benign. Last evaluated: 2022-05-01. Review status: criteria provided, single submitter. Criteria: CeGaT Center For Human Genetics Tuebingen Variant Classification Criteria Version 2. Collection method: clinical testing. Allele origin: germline. Affected: yes. Observed: 1 variant allele.
Comment: UNC80: BP4, BP7